The following is an entry in ClinVar:

NM_080425.4(GNAS):c.1665C>G (p.Ser555=)

Gene: GNAS (GNAS complex locus; plus strand). Cytogenetic location: 20q13.32.
Variant type: single nucleotide variant.
Coding change: c.1665C>G on transcript NM_080425.4 (MANE Plus Clinical); coding-DNA position 1665, C replaced by G.
Protein change: p.Ser555=; no amino-acid change (serine 555 retained).
Molecular consequence: synonymous variant. On other transcripts: intron variant (3), missense variant (2).
Genome position (GRCh38, 1-based): chr20:58,854,930, C>G. VCF-style: chr20-58854930-C-G. GRCh37 (hg19) VCF-style: chr20-57429985-C-G.
Other names: c.*42+14044C>G (NM_016592.5); c.43+14044C>G (NM_001410912.1); c.-39+13055C>G (NM_001309861.2); c.1478C>G, p.Pro493Arg (NM_001077490.3, NM_001309883.1); c.1665C>G, p.Ser555= (NM_001410913.1); short protein forms P493R.
Identifiers: ClinVar variation 4990201 (VCV004990201.1).

ClinVar aggregate classification (germline): Uncertain significance (1 of 4 stars; one submission).

Conditions:
GNAS-related disorder. Identifiers: MedGen CN380105.

Submission:

PreventionGenetics, part of Exact Sciences
Classification: Uncertain significance for GNAS-related condition. Last evaluated: 2024-11-13. Review status: criteria provided, single submitter. Criteria: ACMG Guidelines, 2015. Collection method: clinical testing. Allele origin: germline.
Comment: The GNAS c.1478C>G variant is predicted to result in the amino acid substitution p.Pro493Arg. This variant can also be referred to as precoding c.-36797C>G variant with the transcript (NM_000516) listed in the Human Gene Mutation Database. To our knowledge, this variant has not been reported in the literature or in a large population database (gnomAD), indicating this variant is rare. At this time, the clinical significance of this variant is uncertain due to the absence of conclusive functional and genetic evidence.